The following is an entry in ClinVar:

NM_004713.6(NEMF):c.1745-1265_1745-1260del

Gene: NEMF (nuclear export mediator factor; minus strand). Cytogenetic location: 14q21.3.
Variant type: Deletion.
Coding change: c.1745-1265_1745-1260del on transcript NM_004713.6 (MANE Select); 1265 bases into the intron before coding-DNA position 1745 through 1260 bases into the intron before coding-DNA position 1745, 6 bases deleted (GGTATA; older notation c.1745-1265_1745-1260delGGTATA).
Molecular consequence: intron variant.
Genome position (GRCh38, 1-based): chr14:49,807,393-49,807,398, TATACC deleted on the plus strand (GGTATA on the coding strand, the reverse complement: NEMF is on the minus strand); deleting any 6 consecutive bases within chr14:49,807,393-49,807,400 gives the same sequence; the c. name uses the placement nearest the transcript's 3' end. VCF-style (leftmost placement, unchanged base first): chr14-49807392-ATATACC-A. GRCh37 (hg19) VCF-style: chr14-50274110-ATATACC-A.
Other names: c.1682-1265_1682-1260del (NM_001301732.3).
Identifiers: ClinVar variation 2644218 (VCV002644218.24), dbSNP rs201539395, ClinGen allele CA260687239.

ClinVar aggregate classification (germline): Benign (1 of 4 stars; one submission).

Submission:

CeGaT Center for Human Genetics Tuebingen
Classification: Benign. Last evaluated: 2023-05-01. Review status: criteria provided, single submitter. Criteria: CeGaT Center For Human Genetics Tuebingen Variant Classification Criteria Version 2. Collection method: clinical testing. Allele origin: germline. Affected: yes. Observed: 5 variant alleles.
Comment: NEMF: BS1, BS2